The following is an entry in ClinVar:

ClinVar aggregate classification (germline): Uncertain significance (1 of 4 stars; one submission).

Conditions:
Familial cancer of breast. Also called: hereditary breast carcinoma; BREAST CANCER, FAMILIAL; Hereditary breast cancer. Identifiers: Orphanet 227535, MedGen C0346153, MONDO:0016419, OMIM 114480. Disease mechanism: loss of function.

Submission:

Labcorp Genetics (formerly Invitae), Labcorp
Classification: Uncertain significance for Familial cancer of breast. Last evaluated: 2018-02-14. Review status: criteria provided, single submitter. Criteria: Invitae Variant Classification Sherloc (09022015). Collection method: clinical testing. Allele origin: germline.
Comment: This variant is not present in population databases (ExAC no frequency). In summary, the available evidence is currently insufficient to determine the role of this variant in disease. Therefore, it has been classified as a Variant of Uncertain Significance. Nucleotide substitutions within the consensus splice site are a relatively common cause of aberrant splicing (PMID: 17576681, 9536098). Algorithms developed to predict the effect of sequence changes on RNA splicing suggest that this variant may disrupt the consensus splice site, but this prediction has not been confirmed by published transcriptional studies. This variant has not been reported in the literature in individuals with CHEK2-related disease. This sequence change falls in intron 2 of the CHEK2 gene. It does not directly change the encoded amino acid sequence of the CHEK2 protein, but it affects a nucleotide within the consensus splice site of the intron.

Literature cited by the submitters: PubMed 17576681; PubMed 9536098.

NM_007194.4(CHEK2):c.319+3A>T

Gene: CHEK2 (checkpoint kinase 2; minus strand). Cytogenetic location: 22q12.1.
Variant type: single nucleotide variant.
Coding change: c.319+3A>T on transcript NM_007194.4 (MANE Select); 3 bases into the intron after coding-DNA position 319, A replaced by T.
Molecular consequence: intron variant.
Genome position (GRCh38, 1-based): chr22:28,734,400, T>A on the plus strand (A>T on the coding strand, the complement: CHEK2 is on the minus strand). VCF-style: chr22-28734400-T-A. GRCh37 (hg19) VCF-style: chr22-29130388-T-A.
Other names: c.-345+7369A>T (NM_001437942.1); c.319+3A>T (NM_001349956.3, NM_145862.3, NM_001438295.1 and 3 more transcripts); c.-459+3A>T (NM_001257387.3).
Identifiers: ClinVar variation 575652 (VCV000575652.7), dbSNP rs1569169765, ClinGen allele CA891844562.